The following is an entry in ClinVar:

NM_080680.3(COL11A2):c.1799delinsTCC (p.Arg600fs)

Gene: COL11A2 (collagen type XI alpha 2 chain; minus strand). Cytogenetic location: 6p21.32.
Variant type: Indel.
Coding change: c.1799delinsTCC on transcript NM_080680.3 (MANE Select); coding-DNA position 1799, G replaced by TCC.
Protein change: p.Arg600fs; shifts the reading frame from arginine 600.
Molecular consequence: frameshift variant.
Genome position (GRCh38, 1-based): chr6:33,178,327, C replaced by GGA on the plus strand (G replaced by TCC on the coding strand, the reverse complement: COL11A2 is on the minus strand). VCF-style: chr6-33178327-C-GGA. GRCh37 (hg19) VCF-style: chr6-33146104-C-GGA.
Other names: c.773delinsTCC, p.Arg258fs (NM_001424111.1, NM_001424110.1); c.1478delinsTCC, p.Arg493fs (NM_080679.3); c.1541delinsTCC, p.Arg514fs (NM_080681.3); c.1619delinsTCC, p.Arg540fs (NM_001424108.1); c.953delinsTCC, p.Arg318fs (NM_001424109.1); short protein forms R514fs, R600fs, R318fs, R493fs, R258fs, R540fs.
Identifiers: ClinVar variation 5007039 (VCV005007039.2).

ClinVar aggregate classification (germline): Likely pathogenic (1 of 4 stars; one submission).

Conditions:
Otospondylomegaepiphyseal dysplasia, autosomal recessive (OSMEDB). Also called: CHONDRODYSTROPHY WITH SENSORINEURAL DEAFNESS; Insley-Astley syndrome. Identifiers: Orphanet 1427, MedGen CN034493, MONDO:0044206, OMIM 215150.
Otospondylomegaepiphyseal dysplasia, autosomal dominant (OSMEDA). Also called: Pierre Robin syndrome with fetal chondrodysplasia; Stickler syndrome, type 3; COL11A2-Related Stickler Syndrome. Identifiers: Orphanet 166100, Orphanet 3450, MedGen C1848488, MONDO:0008490, OMIM 184840.
Autosomal recessive nonsyndromic hearing loss 53. Identifiers: Orphanet 90636, MedGen C1864746, MONDO:0012333, OMIM 609706.
Autosomal dominant nonsyndromic hearing loss 13. Identifiers: Orphanet 90635, MedGen C1866095, MONDO:0011159, OMIM 601868.
Fibrochondrogenesis 2 (FBCG2). Identifiers: Orphanet 2021, MedGen C3281128, MONDO:0013795, OMIM 614524.

Submission:

Juno Genomics, Hangzhou Juno Genomics, Inc
Classification: Likely pathogenic for Autosomal dominant nonsyndromic hearing loss 13; Autosomal recessive nonsyndromic hearing loss 53; Fibrochondrogenesis 2; Otospondylomegaepiphyseal dysplasia, autosomal dominant; Otospondylomegaepiphyseal dysplasia, autosomal recessive. Review status: criteria provided, single submitter. Criteria: ACMG Guidelines, 2015. Collection method: clinical testing. Allele origin: germline.
Comment: Null variant in a gene where loss of function (LOF) is a known mechanism of disease.;Absent from controls (or at extremely low frequency if recessive) in Genome Aggregation Database.